The following is an entry in ClinVar:

NM_001130438.3(SPTAN1):c.7225_7228dup (p.Ser2410Ter)

Gene: SPTAN1 (spectrin alpha, non-erythrocytic 1; plus strand). Cytogenetic location: 9q34.11.
Variant type: Duplication.
Coding change: c.7225_7228dup on transcript NM_001130438.3 (MANE Select); coding-DNA positions 7225 to 7228, 4 bases duplicated (AAGT; older notation c.7225_7228dupAAGT).
Protein change: p.Ser2410Ter; replaces serine 2410 with a stop codon.
Molecular consequence: nonsense.
Genome position (GRCh38, 1-based): chr9:128,632,872-128,632,875, AAGT duplicated. VCF-style (leftmost placement, unchanged base first): chr9-128632871-C-CAAGT. GRCh37 (hg19) VCF-style: chr9-131395150-C-CAAGT.
Other names: c.7150_7153dup, p.Ser2385Ter (NM_001195532.2); c.7288_7291dup, p.Ser2431Ter (NM_001363759.2); c.7165_7168dup, p.Ser2390Ter (NM_001363765.2, NM_001375314.2); c.7312_7315dup, p.Ser2439Ter (NM_001375310.1); c.7225_7228dup, p.Ser2410Ter (NM_001375311.2); c.7261_7264dup, p.Ser2422Ter (NM_001375312.2); c.7207_7210dup, p.Ser2404Ter (NM_001375313.1); c.7324_7327dup, p.Ser2443Ter (NM_001375318.1); and 1 more; short protein forms S2385*, S2422*, S2439*, S2390*, S2404*, S2405*, S2410*, S2443*.
Identifiers: ClinVar variation 2111062 (VCV002111062.4), dbSNP rs2542397448, ClinGen allele CA2580079769.

ClinVar aggregate classification (germline): Pathogenic (1 of 4 stars; one submission).

Conditions:
Early-infantile DEE. Also called: Early infantile epileptic encephalopathy; Early infantile epileptic encephalopathy with suppression bursts; Ohtahara syndrome. Identifiers: Orphanet 1934, MedGen C0393706, MONDO:0800491.

Submission:

Labcorp Genetics (formerly Invitae), Labcorp
Classification: Pathogenic for Early-infantile DEE. Last evaluated: 2022-04-10. Review status: criteria provided, single submitter. Criteria: Invitae Variant Classification Sherloc (09022015). Collection method: clinical testing. Allele origin: germline.
Comment: For these reasons, this variant has been classified as Pathogenic. Algorithms developed to predict the effect of sequence changes on RNA splicing suggest that this variant may create or strengthen a splice site. This sequence change creates a premature translational stop signal (p.Ser2410*) in the SPTAN1 gene. It is expected to result in an absent or disrupted protein product. Loss-of-function variants in SPTAN1 are known to be pathogenic (PMID: 31332438, 33206935). This variant is not present in population databases (gnomAD no frequency). This variant has not been reported in the literature in individuals affected with SPTAN1-related conditions.

Literature cited by the submitters: PubMed 31332438; PubMed 33206935.